The following is an entry in ClinVar:

ClinVar aggregate classification (germline): Likely benign (1 of 4 stars; one submission).

Conditions:
Wilson disease (WND). Also called: Wilson's disease. Identifiers: Orphanet 905, MedGen C0019202, MONDO:0010200, OMIM 277900. Disease mechanism: loss of function.

gnomAD v4.1: 1 of 1,613,886 alleles (0.000062%); highest among the groups gnomAD compares: Non-Finnish European, 0.000085%; no homozygotes.

Submission:

All of Us Research Program, National Institutes of Health
Classification: Likely benign for Wilson disease. Last evaluated: 2023-04-10. Review status: criteria provided, single submitter. Criteria: ACMG Guidelines, 2015. Collection method: clinical testing. Allele origin: germline. Inheritance: Autosomal recessive inheritance. Observed: 1 variant allele, 1 heterozygote.
Comment: This study involves interpretation of variants in research participants for the purpose of population health screening. Participant phenotype was not available at the time of variant classification. Additional details can be found in publication PMID: 35346344, PMCID: PMC8962531

NM_000053.4(ATP7B):c.2766A>T (p.Gly922=)

Gene: ATP7B (ATPase copper transporting beta; minus strand). Cytogenetic location: 13q14.3.
Variant type: single nucleotide variant.
Coding change: c.2766A>T on transcript NM_000053.4 (MANE Select); coding-DNA position 2766, A replaced by T.
Protein change: p.Gly922=; no amino-acid change (glycine 922 retained).
Molecular consequence: synonymous variant. On other transcripts: intron variant (3).
Genome position (GRCh38, 1-based): chr13:51,949,761, T>A on the plus strand (A>T on the coding strand, the complement: ATP7B is on the minus strand). VCF-style: chr13-51949761-T-A. GRCh37 (hg19) VCF-style: chr13-52523897-T-A.
Other names: c.2622A>T, p.Gly874= (NM_001406520.1, NM_001406521.1, NM_001406522.1 and 1 more transcripts); c.2766A>T, p.Gly922= (NM_001406523.1, NM_001406525.1, NM_001406526.1 and 5 more transcripts); c.2589A>T, p.Gly863= (NM_001406524.1); c.2532A>T, p.Gly844= (NM_001406527.1, NM_001406528.1, NM_001406534.1 and 2 more transcripts); c.2526A>T, p.Gly842= (NM_001406530.1); c.2514A>T, p.Gly838= (NM_001406531.1, NM_001406532.1, NM_001406540.1 and 1 more transcripts); c.2436A>T, p.Gly812= (NM_001406536.1); c.2337A>T, p.Gly779= (NM_001406539.1); and 10 more.
Identifiers: ClinVar variation 3075606 (VCV003075606.1), dbSNP rs2547667068, ClinGen allele CA484024519.